The following is an entry in ClinVar:

NM_017671.5(FERMT1):c.1456G>A (p.Val486Ile)

Gene: FERMT1 (FERM domain containing kindlin 1; minus strand). Cytogenetic location: 20p12.3.
Variant type: single nucleotide variant.
Coding change: c.1456G>A on transcript NM_017671.5 (MANE Select); coding-DNA position 1456, G replaced by A.
Protein change: p.Val486Ile; replaces valine 486 with isoleucine.
Molecular consequence: missense variant.
Genome position (GRCh38, 1-based): chr20:6,085,203, C>T on the plus strand (G>A on the coding strand, the complement: FERMT1 is on the minus strand). VCF-style: chr20-6085203-C-T. GRCh37 (hg19) VCF-style: chr20-6065850-C-T.
Other names: c.1456G>A (NM_017671.4); short protein forms V486I.
Identifiers: ClinVar variation 2190295 (VCV002190295.3), dbSNP rs764254585, ClinGen allele CA408178867.

ClinVar aggregate classification (germline): Uncertain significance. Review status: criteria provided, multiple submitters, no conflicts (2 of 4 stars). 2 submissions from 2 submitters: Uncertain significance (2). Last evaluated 2025-02-22.

Conditions:
Inborn genetic diseases. Identifiers: MedGen C0950123, MeSH D030342.

Allele frequency attached by ClinVar (database versions not stated): gnomAD exomes below 0.00001.
gnomAD v4.1: 8 of 1,614,112 alleles (0.0005%); highest among the groups gnomAD compares: East Asian, 0.0045%; no homozygotes.

Submissions (2):

Ambry Genetics
Classification: Uncertain significance for Inborn genetic diseases. Last evaluated: 2025-02-22. Review status: criteria provided, single submitter. Criteria: Ambry Variant Classification Scheme 2023. Collection method: clinical testing. Allele origin: germline.

Labcorp Genetics (formerly Invitae), Labcorp
Classification: Uncertain significance. Last evaluated: 2022-01-14. Review status: criteria provided, single submitter. Criteria: Invitae Variant Classification Sherloc (09022015). Collection method: clinical testing. Allele origin: germline.
Comment: In summary, the available evidence is currently insufficient to determine the role of this variant in disease. Therefore, it has been classified as a Variant of Uncertain Significance. Algorithms developed to predict the effect of missense changes on protein structure and function are either unavailable or do not agree on the potential impact of this missense change (SIFT: "Deleterious"; PolyPhen-2: "Benign"; Align-GVGD: "Class C0"). This variant has not been reported in the literature in individuals affected with FERMT1-related conditions. This variant is not present in population databases (gnomAD no frequency). This sequence change replaces valine, which is neutral and non-polar, with isoleucine, which is neutral and non-polar, at codon 486 of the FERMT1 protein (p.Val486Ile).